The following is an entry in ClinVar:

ClinVar aggregate classification (germline): Uncertain significance (1 of 4 stars; one submission).

Conditions:
Syndromic multisystem autoimmune disease due to ITCH deficiency. Also called: AUTOIMMUNE DISEASE, MULTISYSTEM, WITH FACIAL DYSMORPHISM. Identifiers: Orphanet 228426, MedGen C3150649, MONDO:0013245, OMIM 613385.

Submission:

Labcorp Genetics (formerly Invitae), Labcorp
Classification: Uncertain significance for Syndromic multisystem autoimmune disease due to ITCH deficiency. Last evaluated: 2022-07-04. Review status: criteria provided, single submitter. Criteria: Invitae Variant Classification Sherloc (09022015). Collection method: clinical testing. Allele origin: germline.
Comment: Algorithms developed to predict the effect of sequence changes on RNA splicing suggest that this variant may disrupt the consensus splice site. In summary, the available evidence is currently insufficient to determine the role of this variant in disease. Therefore, it has been classified as a Variant of Uncertain Significance. This variant has not been reported in the literature in individuals affected with ITCH-related conditions. This variant is not present in population databases (gnomAD no frequency). This sequence change affects codon 527 of the ITCH mRNA. It is a 'silent' change, meaning that it does not change the encoded amino acid sequence of the ITCH protein.

NM_031483.7(ITCH):c.1581C>T (p.Phe527=)

Gene: ITCH (itchy E3 ubiquitin protein ligase; plus strand). Cytogenetic location: 20q11.22.
Variant type: single nucleotide variant.
Coding change: c.1581C>T on transcript NM_031483.7 (MANE Select); coding-DNA position 1581, C replaced by T.
Protein change: p.Phe527=; no amino-acid change (phenylalanine 527 retained).
Molecular consequence: synonymous variant.
Genome position (GRCh38, 1-based): chr20:34,477,783, C>T. VCF-style: chr20-34477783-C-T. GRCh37 (hg19) VCF-style: chr20-33065588-C-T.
Other names: c.1704C>T, p.Phe568= (NM_001257137.3, NM_001324197.2); c.1251C>T, p.Phe417= (NM_001257138.3); c.1581C>T, p.Phe527= (NM_001324198.2).
Identifiers: ClinVar variation 2014125 (VCV002014125.4), dbSNP rs2515858144, ClinGen allele CA510281255.